The following is an entry in ClinVar:

NC_000010.10:g.(?_48382532)_(48388342_?)del

Gene: RBP3 (retinol binding protein 3; plus strand). Cytogenetic location: 10q11.22.
Variant type: Deletion.
Identifiers: ClinVar variation 1458100 (VCV001458100.7).

ClinVar aggregate classification (germline): Pathogenic (1 of 4 stars; one submission).

Submission:

Labcorp Genetics (formerly Invitae), Labcorp
Classification: Pathogenic. Last evaluated: 2022-01-06. Review status: criteria provided, single submitter. Criteria: Invitae Variant Classification Sherloc (09022015). Collection method: clinical testing. Allele origin: germline.
Comment: For these reasons, this variant has been classified as Pathogenic. This variant disrupts the p.Asp1080 amino acid residue in RBP3. Other variant(s) that disrupt this residue have been determined to be pathogenic (PMID: 19074801, 23486466). This suggests that this residue is clinically significant, and that variants that disrupt this residue are likely to be disease-causing. This variant has not been reported in the literature in individuals affected with RBP3-related conditions. This variant results in the deletion of exon(s) 2-3 and part of exon 1 (c.2536_3389-272del) of the RBP3 gene. It is expected to disrupt RNA splicing. Variants that disrupt the donor or acceptor splice site typically lead to a loss of protein function (PMID: 16199547), and loss-of-function variants in RBP3 are known to be pathogenic (PMID: 9614228, 23105016, 25766589).

Literature cited by the submitters: PubMed 19074801; PubMed 23486466; PubMed 16199547; PubMed 9614228; PubMed 23105016; PubMed 25766589.